The following is an entry in ClinVar:

ClinVar aggregate classification (germline): Conflicting classifications of pathogenicity. Review status: criteria provided, conflicting classifications (1 of 4 stars). 2 submissions from 2 submitters: Uncertain significance (1); Likely benign (1). Last evaluated 2026-02-24.

Conditions:
Primary ciliary dyskinesia. Also called: Ciliary dyskinesia. Identifiers: Orphanet 244, MedGen C0008780, MONDO:0016575, HP:0012265.

Allele frequency attached by ClinVar (database versions not stated): ExAC 0.00001; gnomAD 0.00001; gnomAD exomes 0.00001; TOPMed 0.00003.
gnomAD v4.1: 7 of 1,614,068 alleles (0.00043%); highest among the groups gnomAD compares: Admixed American, 0.01%; no homozygotes.

Submissions (2):

GeneDx
Classification: Uncertain significance. Last evaluated: 2026-02-24. Review status: criteria provided, single submitter. Criteria: GeneDx Variant Classification Process June 2021. Collection method: clinical testing. Allele origin: germline.
Comment: In silico analysis suggests that this missense variant does not alter protein structure/function; Has not been previously published as pathogenic or benign to our knowledge

Labcorp Genetics (formerly Invitae), Labcorp
Classification: Likely benign for Primary ciliary dyskinesia. Last evaluated: 2024-07-25. Review status: criteria provided, single submitter. Criteria: Invitae Variant Classification Sherloc (09022015). Collection method: clinical testing. Allele origin: germline.

NM_001369.3(DNAH5):c.2502A>C (p.Glu834Asp)

Genes: DNAH5 (dynein axonemal heavy chain 5; minus strand), DNAH5-AS1 (DNAH5 antisense RNA 1; plus strand). Cytogenetic location: 5p15.2.
Variant type: single nucleotide variant.
Coding change: c.2502A>C on transcript NM_001369.3 (MANE Select); coding-DNA position 2502, A replaced by C.
Protein change: p.Glu834Asp; replaces glutamic acid 834 with aspartic acid.
Molecular consequence: missense variant.
Genome position (GRCh38, 1-based): chr5:13,891,051, T>G on the plus strand (A>C on the coding strand, the complement: DNAH5 is on the minus strand). VCF-style: chr5-13891051-T-G. GRCh37 (hg19) VCF-style: chr5-13891160-T-G.
Other names: c.2502A>C (NM_001369.2); short protein forms E834D.
Identifiers: ClinVar variation 2019589 (VCV002019589.5), dbSNP rs758196264, ClinGen allele CA3204563.